The following is an entry in ClinVar:

NM_199420.4(POLQ):c.5183T>C (p.Ile1728Thr)

Gene: POLQ (DNA polymerase theta; minus strand). Cytogenetic location: 3q13.33.
Variant type: single nucleotide variant.
Coding change: c.5183T>C on transcript NM_199420.4 (MANE Select); coding-DNA position 5183, T replaced by C.
Protein change: p.Ile1728Thr; replaces isoleucine 1728 with threonine.
Molecular consequence: missense variant.
Genome position (GRCh38, 1-based): chr3:121,487,748, A>G on the plus strand (T>C on the coding strand, the complement: POLQ is on the minus strand). VCF-style: chr3-121487748-A-G. GRCh37 (hg19) VCF-style: chr3-121206595-A-G.
Other names: short protein forms I1728T.
Identifiers: ClinVar variation 1745871 (VCV001745871.2), dbSNP rs2546785029, ClinGen allele CA354091700.

ClinVar aggregate classification (germline): Uncertain significance (1 of 4 stars; one submission).

Allele frequency attached by ClinVar (database versions not stated): gnomAD exomes below 0.00001.
gnomAD v4.1: 1 of 1,613,104 alleles (0.000062%); highest among the groups gnomAD compares: Non-Finnish European, 0.000085%; no homozygotes.

Submission:

Ambry Genetics
Classification: Uncertain significance. Last evaluated: 2021-08-08. Review status: criteria provided, single submitter. Criteria: Ambry Variant Classification Scheme 2023. Collection method: clinical testing. Allele origin: germline.
Comment: The p.I1728T variant (also known as c.5183T>C), located in coding exon 16 of the POLQ gene, results from a T to C substitution at nucleotide position 5183. The isoleucine at codon 1728 is replaced by threonine, an amino acid with similar properties. This amino acid position is conserved. In addition, this alteration is predicted to be tolerated by in silico analysis. Since supporting evidence is limited at this time, the clinical significance of this alteration remains unclear.